The following is an entry in ClinVar:

NM_000548.5(TSC2):c.2188G>A (p.Val730Met)

Gene: TSC2 (TSC complex subunit 2; plus strand). Cytogenetic location: 16p13.3.
Variant type: single nucleotide variant.
Coding change: c.2188G>A on transcript NM_000548.5 (MANE Select); coding-DNA position 2188, G replaced by A.
Protein change: p.Val730Met; replaces valine 730 with methionine.
Molecular consequence: missense variant.
Genome position (GRCh38, 1-based): chr16:2,072,331, G>A. VCF-style: chr16-2072331-G-A. GRCh37 (hg19) VCF-style: chr16-2122332-G-A.
Other names: c.2188G>A, p.Val730Met (NM_001077183.3, NM_001114382.3, NM_001363528.2 and 3 more transcripts); c.2077G>A, p.Val693Met (NM_001318827.2); c.2041G>A, p.Val681Met (NM_001318829.2); c.1588G>A, p.Val530Met (NM_001318831.2); c.2221G>A, p.Val741Met (NM_001318832.2); short protein forms V730M, V741M, V530M, V681M, V693M.
Identifiers: ClinVar variation 467929 (VCV000467929.13), dbSNP rs1555506559, ClinGen allele CA394275001.

ClinVar aggregate classification (germline): Uncertain significance. Review status: criteria provided, multiple submitters, no conflicts (2 of 4 stars). 3 submissions from 3 submitters: Uncertain significance (3). Last evaluated 2025-06-16.

Conditions:
Hereditary cancer-predisposing syndrome. Also called: Hereditary neoplastic syndrome; Neoplastic Syndromes, Hereditary; Tumor predisposition; Hereditary Cancer Syndrome. Identifiers: Orphanet 140162, MedGen C0027672, MeSH D009386, MONDO:0015356.
Isolated focal cortical dysplasia type II (FCORD2). Also called: CORTICAL DYSPLASIA OF TAYLOR; Focal cortical dysplasia type II. Identifiers: Orphanet 268994, MedGen C1846385, MONDO:0011818, OMIM 607341, HP:0032051.
Tuberous sclerosis 2 (TSC2). Identifiers: Orphanet 805, MedGen C1860707, MONDO:0013199, OMIM 613254.

Submissions (3):

Labcorp Genetics (formerly Invitae), Labcorp
Classification: Uncertain significance for Tuberous sclerosis 2. Last evaluated: 2025-06-16. Review status: criteria provided, single submitter. Criteria: Invitae Variant Classification Sherloc (09022015). Collection method: clinical testing. Allele origin: germline.
Comment: This sequence change replaces valine, which is neutral and non-polar, with methionine, which is neutral and non-polar, at codon 730 of the TSC2 protein (p.Val730Met). This variant is not present in population databases (gnomAD no frequency). This variant has not been reported in the literature in individuals affected with TSC2-related conditions. ClinVar contains an entry for this variant (Variation ID: 467929). Invitae Evidence Modeling of protein sequence and biophysical properties (such as structural, functional, and spatial information, amino acid conservation, physicochemical variation, residue mobility, and thermodynamic stability) indicates that this missense variant is not expected to disrupt TSC2 protein function with a negative predictive value of 95%. In summary, the available evidence is currently insufficient to determine the role of this variant in disease. Therefore, it has been classified as a Variant of Uncertain Significance.

Ambry Genetics
Classification: Uncertain significance for Hereditary cancer-predisposing syndrome. Last evaluated: 2024-08-30. Review status: criteria provided, single submitter. Criteria: Ambry Variant Classification Scheme 2023. Collection method: clinical testing. Allele origin: germline.
Comment: The p.V730M variant (also known as c.2188G>A), located in coding exon 19 of the TSC2 gene, results from a G to A substitution at nucleotide position 2188. The valine at codon 730 is replaced by methionine, an amino acid with highly similar properties. This amino acid position is conserved. In addition, the in silico prediction for this alteration is inconclusive. Based on the available evidence, the clinical significance of this variant remains unclear.

Baylor Genetics
Classification: Uncertain significance for Isolated focal cortical dysplasia type II. Last evaluated: 2024-03-09. Review status: criteria provided, single submitter. Criteria: ACMG Guidelines, 2015. Collection method: clinical testing. Allele origin: unknown.